The following is an entry in ClinVar:

NM_002225.5(IVD):c.707C>T (p.Thr236Ile)

Gene: IVD (isovaleryl-CoA dehydrogenase; plus strand). Cytogenetic location: 15q15.1.
Variant type: single nucleotide variant.
Coding change: c.707C>T on transcript NM_002225.5 (MANE Select); coding-DNA position 707, C replaced by T.
Protein change: p.Thr236Ile; replaces threonine 236 with isoleucine.
Molecular consequence: missense variant. On other transcripts: non-coding transcript variant (1).
Genome position (GRCh38, 1-based): chr15:40,413,010, C>T. VCF-style: chr15-40413010-C-T. GRCh37 (hg19) VCF-style: chr15-40705209-C-T.
Other names: c.617C>T, p.Thr206Ile (NM_001159508.3); c.659C>T, p.Thr220Ile (NM_001354597.3); c.707C>T, p.Thr236Ile (NM_001354598.3, NM_001354601.3); c.794C>T, p.Thr265Ile (NM_001354599.3, NM_001354600.3); short protein forms T236I, T265I, T220I, T206I.
Identifiers: ClinVar variation 280881 (VCV000280881.17), dbSNP rs146861563, ClinGen allele CA7480726.

ClinVar aggregate classification (germline): Likely pathogenic. Review status: criteria provided, multiple submitters, no conflicts (2 of 4 stars). 8 submissions from 8 submitters: Likely pathogenic (7). 1 of the submissions does not count toward it. Last evaluated 2026-01-19.

Conditions:
IVD-related disorder. Also called: IVD-related condition.
Isovaleryl-CoA dehydrogenase deficiency (IVA). Also called: Classic Isovaleric Acidemia; Isovaleric acidemia; ISOVALERIC ACID CoA DEHYDROGENASE DEFICIENCY; IVD DEFICIENCY. Identifiers: Orphanet 33, MedGen C0268575, MONDO:0009475, OMIM 243500.

Allele frequency attached by ClinVar (database versions not stated): ExAC 0.00003; gnomAD exomes 0.00003 and 0.00012; TOPMed 0.00006; gnomAD 0.00009 and 0.00010; ESP Exome Variant Server 0.00015.
gnomAD v4.1: 194 of 1,613,950 alleles (0.012%); highest among the groups gnomAD compares: Non-Finnish European, 0.015%; no homozygotes.

Submissions (8):

Labcorp Genetics (formerly Invitae), Labcorp
Classification: Likely pathogenic for Isovaleryl-CoA dehydrogenase deficiency. Last evaluated: 2026-01-19. Review status: criteria provided, single submitter. Criteria: Invitae Variant Classification Sherloc (09022015). Collection method: clinical testing. Allele origin: germline.
Comment: This sequence change replaces threonine, which is neutral and polar, with isoleucine, which is neutral and non-polar, at codon 239 of the IVD protein (p.Thr239Ile). This variant is present in population databases (rs146861563, gnomAD 0.009%). This missense change has been observed in individual(s) with clinical features of isovaleric acidemia (PMID: 30159853, 33496032, 34535384; internal data). In at least one individual the data is consistent with being in trans (on the opposite chromosome) from a pathogenic variant. This variant is also known as c.707C>T (p.Thr236Ile). ClinVar contains an entry for this variant (Variation ID: 280881). An algorithm developed to predict the effect of missense changes on protein structure and function (PolyPhen-2) suggests that this variant is likely to be tolerated. Experimental studies have shown that this missense change affects IVD function (PMID: 34535384). In summary, the currently available evidence indicates that the variant is pathogenic, but additional data are needed to prove that conclusively. Therefore, this variant has been classified as Likely Pathogenic.

Natera, Inc.
Classification: Likely pathogenic for Isovaleryl-coa dehydrogenase deficiency. Last evaluated: 2026-01-15. Review status: criteria provided, single submitter. Criteria: Natera Variant Classification Schema (03/2026). Collection method: clinical testing. Allele origin: germline.
Comment: The c.716C>T variant in IVD is a missense variant predicted to cause substitution of threonine to isoleucine at amino acid 239. This variant is rare in the general population with a frequency below the threshold expected for the associated phenotype(s). This variant has been observed in one or more individuals affected with the associated recessive disease, as either homozygous or compound heterozygous with a second variant (PMID: 34535384, 37429829, 30159853). Functional studies show that this variant may disrupt protein function (PMID: 34535384). Computational prediction algorithms indicate this variant is likely to affect gene or protein function. Given the available evidence, this variant is classified as Likely Pathogenic.

GeneDx
Classification: Likely pathogenic. Last evaluated: 2025-09-02. Review status: criteria provided, single submitter. Criteria: GeneDx Variant Classification Process June 2021. Collection method: clinical testing. Allele origin: germline. Affected: yes.
Comment: Published functional studies found this variant is associated with significantly reduced enzyme activity (PMID: 34535384); Not observed at significant frequency in large population cohorts (gnomAD); In silico analysis supports that this missense variant has a deleterious effect on protein structure/function; Also known as p.T207I and p.T236I; This variant is associated with the following publications: (PMID: 34535384, 37429829, 33496032)

Fulgent Genetics
Classification: Likely pathogenic for Isovaleryl-CoA dehydrogenase deficiency. Last evaluated: 2024-04-20. Review status: criteria provided, single submitter. Criteria: ACMG Guidelines, 2015. Collection method: clinical testing. Allele origin: germline.

Baylor Genetics
Classification: Likely pathogenic for Isovaleryl-CoA dehydrogenase deficiency. Last evaluated: 2024-03-19. Review status: criteria provided, single submitter. Criteria: ACMG Guidelines, 2015. Collection method: clinical testing. Allele origin: unknown.

Women's Health and Genetics/Laboratory Corporation of America, LabCorp
Classification: Likely pathogenic for Isovaleryl-CoA dehydrogenase deficiency. Last evaluated: 2023-05-10. Review status: criteria provided, single submitter. Criteria: LabCorp Variant Classification Summary - May 2015. Collection method: clinical testing. Allele origin: germline.
Comment: Variant summary: IVD c.707C>T (p.Thr236Ile) results in a non-conservative amino acid change in the encoded protein sequence. Four of five in-silico tools predict a damaging effect of the variant on protein function. The variant allele was found at a frequency of 3.2e-05 in 251480 control chromosomes. c.707C>T has been reported in the literature as a homozygous and heterozygous genotype in individuals affected with Isovaleryl-CoA Dehydrogenase Deficiency identified through Newborn screening (D'Annibale_2021, Molema_2018 and Mutze_2021). These data indicate that the variant is likely to be associated with disease. At least one publication reports experimental evidence evaluating an impact on protein function indicating it to have stable IVDH protein but no enzyme activity (D'Annibale_2021). The following publications have been ascertained in the context of this evaluation (PMID: 34535384, 30159853, 33496032). Three clinical diagnostic laboratories have submitted clinical-significance assessments for this variant to ClinVar after 2014 and two classified it as VUS and one as likely pathogenic. Based on the evidence outlined above, the variant was classified as likely pathogenic.

Blueprint Genetics
Classification: Likely pathogenic for IVD-related disorders. Last evaluated: 2022-04-01. Review status: criteria provided, single submitter. Criteria: ACMG Guidelines, 2015. Collection method: clinical testing. Allele origin: germline. Affected: yes. Observed: 3 variant alleles.

Counsyl
Classification: Uncertain significance for Isovaleryl-CoA dehydrogenase deficiency. Last evaluated: 2018-04-30. Review status: flagged submission. Collection method: clinical testing. Allele origin: unknown. Not counted in ClinVar's aggregate classification.
ClinVar note: Reason: Older and outlier claim with insufficient supporting evidence

Literature cited by the submitters: PubMed 30159853 (cited by 3 submitters); PubMed 33496032 (cited by Labcorp Genetics (formerly Invitae), Labcorp and Women's Health and Genetics/Laboratory Corporation of America, LabCorp); PubMed 34535384 (cited by 3 submitters); PubMed 37429829 (cited by Natera, Inc.).